The following is an entry in ClinVar:

ClinVar aggregate classification (germline): Likely benign (0 of 4 stars; one submission).

Conditions:
ROBO3-related disorder. Also called: ROBO3-related condition.

gnomAD v4.1: 44 of 1,611,126 alleles (0.0027%); highest among the groups gnomAD compares: Non-Finnish European, 0.0035%; no homozygotes.

Submission:

PreventionGenetics, part of Exact Sciences
Classification: Likely benign for ROBO3-related condition. Last evaluated: 2024-06-17. Review status: no assertion criteria provided. Collection method: clinical testing. Allele origin: germline.
Comment: This variant is classified as likely benign based on ACMG/AMP sequence variant interpretation guidelines (Richards et al. 2015 PMID: 25741868, with internal and published modifications).

NM_022370.4(ROBO3):c.1951+3A>G

Gene: ROBO3 (roundabout guidance receptor 3; plus strand). Cytogenetic location: 11q24.2.
Variant type: single nucleotide variant.
Coding change: c.1951+3A>G on transcript NM_022370.4 (MANE Select); 3 bases into the intron after coding-DNA position 1951, A replaced by G.
Molecular consequence: intron variant.
Genome position (GRCh38, 1-based): chr11:124,874,239, A>G. VCF-style: chr11-124874239-A-G. GRCh37 (hg19) VCF-style: chr11-124744135-A-G.
Identifiers: ClinVar variation 3358529 (VCV003358529.1).